The following is an entry in ClinVar:

NM_001130009.3(GEN1):c.425T>G (p.Leu142Arg)

Gene: GEN1 (GEN1 structure-specific endonuclease; plus strand). Cytogenetic location: 2p24.2.
Variant type: single nucleotide variant.
Coding change: c.425T>G on transcript NM_001130009.3 (MANE Select); coding-DNA position 425, T replaced by G.
Protein change: p.Leu142Arg; replaces leucine 142 with arginine.
Molecular consequence: missense variant.
Genome position (GRCh38, 1-based): chr2:17,764,973, T>G. VCF-style: chr2-17764973-T-G. GRCh37 (hg19) VCF-style: chr2-17946240-T-G.
Other names: c.425T>G, p.Leu142Arg (NM_182625.5); short protein forms L142R.
Identifiers: ClinVar variation 4729639 (VCV004729639.1).

ClinVar aggregate classification (germline): Uncertain significance (1 of 4 stars; one submission).

gnomAD v4.1: 1 of 1,614,182 alleles (0.000062%); highest among the groups gnomAD compares: South Asian, 0.0011%; no homozygotes.

Submission:

Labcorp Genetics (formerly Invitae), Labcorp
Classification: Uncertain significance. Last evaluated: 2026-01-20. Review status: criteria provided, single submitter. Criteria: Invitae Variant Classification Sherloc (09022015). Collection method: clinical testing. Allele origin: germline.
Comment: This sequence change replaces leucine, which is neutral and non-polar, with arginine, which is basic and polar, at codon 142 of the GEN1 protein (p.Leu142Arg). This variant is not present in population databases (gnomAD no frequency). This variant has not been reported in the literature in individuals affected with GEN1-related conditions. An algorithm developed to predict the effect of missense changes on protein structure and function (PolyPhen-2) suggests that this variant is likely to be disruptive. In summary, the available evidence is currently insufficient to determine the role of this variant in disease. Therefore, it has been classified as a Variant of Uncertain Significance.